The following is an entry in ClinVar:

ClinVar aggregate classification (germline): Uncertain significance (1 of 4 stars; one submission).

Conditions:
Hyperphosphatasia with intellectual disability syndrome 5 (GPIBD11). Also called: GLYCOSYLPHOSPHATIDYLINOSITOL BIOSYNTHESIS DEFECT 11. Identifiers: Orphanet 247262, MedGen C4014958, MONDO:0014457, OMIM 616025.

Allele frequency attached by ClinVar (database versions not stated): TOPMed below 0.00001.

Submission:

Labcorp Genetics (formerly Invitae), Labcorp
Classification: Uncertain significance for Hyperphosphatasia with intellectual disability syndrome 5. Last evaluated: 2021-04-11. Review status: criteria provided, single submitter. Criteria: Invitae Variant Classification Sherloc (09022015). Collection method: clinical testing. Allele origin: germline.
Comment: In summary, the available evidence is currently insufficient to determine the role of this variant in disease. Therefore, it has been classified as a Variant of Uncertain Significance. This variant has not been reported in the literature in individuals with PIGW-related conditions. This variant is not present in population databases (ExAC no frequency). This sequence change creates a premature translational stop signal (p.Ser424*) in the PIGW gene. While this is not anticipated to result in nonsense mediated decay, it is expected to disrupt the last 81 amino acid(s) of the PIGW protein.

NM_001346754.2(PIGW):c.1271C>G (p.Ser424Ter)

Genes: MYO19 (myosin XIX; minus strand), PIGW (phosphatidylinositol glycan anchor biosynthesis class W; plus strand). Cytogenetic location: 17q12.
Variant type: single nucleotide variant.
Coding change: c.1271C>G on transcript NM_001346754.2 (MANE Select); coding-DNA position 1271, C replaced by G.
Protein change: p.Ser424Ter; replaces serine 424 with a stop codon.
Molecular consequence: nonsense.
Genome position (GRCh38, 1-based): chr17:36,538,372, C>G. VCF-style: chr17-36538372-C-G. GRCh37 (hg19) VCF-style: chr17-34894221-C-G.
Other names: c.1271C>G, p.Ser424Ter (NM_001346755.2, NM_178517.5); short protein forms S424*.
Identifiers: ClinVar variation 1370560 (VCV001370560.6), dbSNP rs2074172383, ClinGen allele CA399164619.